The following is an entry in ClinVar:

NM_033400.3(ZFHX2):c.387C>A (p.Ser129=)

Genes: THTPA (thiamine triphosphatase; plus strand), ZFHX2 (zinc finger homeobox 2; minus strand). Cytogenetic location: 14q11.2.
Variant type: single nucleotide variant.
Coding change: c.387C>A on transcript NM_033400.3 (MANE Select); coding-DNA position 387, C replaced by A.
Protein change: p.Ser129=; no amino-acid change (serine 129 retained).
Molecular consequence: synonymous variant.
Genome position (GRCh38, 1-based): chr14:23,534,939, G>T on the plus strand (C>A on the coding strand, the complement: ZFHX2 is on the minus strand). VCF-style: chr14-23534939-G-T. GRCh37 (hg19) VCF-style: chr14-24004148-G-T.
Identifiers: ClinVar variation 3234494 (VCV003234494.20), dbSNP rs2502168040, ClinGen allele CA485772117.

ClinVar aggregate classification (germline): Likely benign (1 of 4 stars; one submission).

Submission:

CeGaT Center for Human Genetics Tuebingen
Classification: Likely benign. Last evaluated: 2024-03-01. Review status: criteria provided, single submitter. Criteria: CeGaT Center For Human Genetics Tuebingen Variant Classification Criteria Version 2. Collection method: clinical testing. Allele origin: germline. Affected: yes. Observed: 1 variant allele.
Comment: ZFHX2: PM2:Supporting, BP4, BP7